The following is an entry in ClinVar:

ClinVar aggregate classification (germline): Uncertain significance. Review status: criteria provided, multiple submitters, no conflicts (2 of 4 stars). 2 submissions from 2 submitters: Uncertain significance (2). Last evaluated 2025-08-08.

Conditions:
Inborn genetic diseases. Identifiers: MedGen C0950123, MeSH D030342.
DOCK2 deficiency. Also called: Immunodeficiency 40. Identifiers: Orphanet 447737, MedGen C4225328, MONDO:0014637, OMIM 616433.

Allele frequency attached by ClinVar (database versions not stated): gnomAD exomes 0.00001; TOPMed 0.00001; ExAC 0.00002; ESP Exome Variant Server 0.00008.
gnomAD v4.1: 8 of 1,613,684 alleles (0.0005%); highest among the groups gnomAD compares: South Asian, 0.0022%; no homozygotes.

Submissions (2):

Ambry Genetics
Classification: Uncertain significance for Inborn genetic diseases. Last evaluated: 2025-08-08. Review status: criteria provided, single submitter. Criteria: Ambry Variant Classification Scheme 2023. Collection method: clinical testing. Allele origin: germline.

Labcorp Genetics (formerly Invitae), Labcorp
Classification: Uncertain significance for DOCK2 deficiency. Last evaluated: 2022-03-24. Review status: criteria provided, single submitter. Criteria: Invitae Variant Classification Sherloc (09022015). Collection method: clinical testing. Allele origin: germline.
Comment: In summary, the available evidence is currently insufficient to determine the role of this variant in disease. Therefore, it has been classified as a Variant of Uncertain Significance. Algorithms developed to predict the effect of missense changes on protein structure and function are either unavailable or do not agree on the potential impact of this missense change (SIFT: "Deleterious"; PolyPhen-2: "Probably Damaging"; Align-GVGD: "Class C0"). This variant has not been reported in the literature in individuals affected with DOCK2-related conditions. This variant is present in population databases (rs374174531, gnomAD 0.003%). This sequence change replaces arginine, which is basic and polar, with cysteine, which is neutral and slightly polar, at codon 1480 of the DOCK2 protein (p.Arg1480Cys).

NM_004946.3(DOCK2):c.4438C>T (p.Arg1480Cys)

Gene: DOCK2 (dedicator of cytokinesis 2; plus strand). Cytogenetic location: 5q35.1.
Variant type: single nucleotide variant.
Coding change: c.4438C>T on transcript NM_004946.3 (MANE Select); coding-DNA position 4438, C replaced by T.
Protein change: p.Arg1480Cys; replaces arginine 1480 with cysteine.
Molecular consequence: missense variant. On other transcripts: non-coding transcript variant (1).
Genome position (GRCh38, 1-based): chr5:170,057,637, C>T. VCF-style: chr5-170057637-C-T. GRCh37 (hg19) VCF-style: chr5-169484641-C-T.
Other names: c.4438C>T (NM_004946.2); short protein forms R1480C.
Identifiers: ClinVar variation 1953812 (VCV001953812.4), dbSNP rs374174531, ClinGen allele CA3554550.